The following is an entry in ClinVar:

ClinVar aggregate classification (germline): Uncertain significance. Review status: criteria provided, multiple submitters, no conflicts (2 of 4 stars). 2 submissions from 2 submitters: Uncertain significance (2). Last evaluated 2025-03-01.

Conditions:
Inborn genetic diseases. Identifiers: MedGen C0950123, MeSH D030342.

Submissions (2):

Ambry Genetics
Classification: Uncertain significance for Inborn genetic diseases. Last evaluated: 2025-03-01. Review status: criteria provided, single submitter. Criteria: Ambry Variant Classification Scheme 2023. Collection method: clinical testing. Allele origin: germline.
Comment: The p.A817S variant (also known as c.2449G>T), located in coding exon 1 of the SAMD9 gene, results from a G to T substitution at nucleotide position 2449. The alanine at codon 817 is replaced by serine, an amino acid with similar properties. This amino acid position is conserved. In addition, this alteration is predicted to be tolerated by in silico analysis. Based on the available evidence, the clinical significance of this variant remains unclear.

Labcorp Genetics (formerly Invitae), Labcorp
Classification: Uncertain significance. Last evaluated: 2024-04-02. Review status: criteria provided, single submitter. Criteria: Invitae Variant Classification Sherloc (09022015). Collection method: clinical testing. Allele origin: germline.
Comment: This sequence change replaces alanine, which is neutral and non-polar, with serine, which is neutral and polar, at codon 817 of the SAMD9 protein (p.Ala817Ser). This variant is not present in population databases (gnomAD no frequency). This variant has not been reported in the literature in individuals affected with SAMD9-related conditions. Advanced modeling of protein sequence and biophysical properties (such as structural, functional, and spatial information, amino acid conservation, physicochemical variation, residue mobility, and thermodynamic stability) performed at Invitae indicates that this missense variant is not expected to disrupt SAMD9 protein function with a negative predictive value of 95%. In summary, the available evidence is currently insufficient to determine the role of this variant in disease. Therefore, it has been classified as a Variant of Uncertain Significance.

NM_017654.4(SAMD9):c.2449G>T (p.Ala817Ser)

Gene: SAMD9 (sterile alpha motif domain containing 9; minus strand). Cytogenetic location: 7q21.2.
Variant type: single nucleotide variant.
Coding change: c.2449G>T on transcript NM_017654.4 (MANE Select); coding-DNA position 2449, G replaced by T.
Protein change: p.Ala817Ser; replaces alanine 817 with serine.
Molecular consequence: missense variant.
Genome position (GRCh38, 1-based): chr7:93,103,649, C>A on the plus strand (G>T on the coding strand, the complement: SAMD9 is on the minus strand). VCF-style: chr7-93103649-C-A. GRCh37 (hg19) VCF-style: chr7-92732962-C-A.
Other names: c.2449G>T, p.Ala817Ser (NM_001193307.2); c.2449G>T (NM_017654.3); short protein forms A817S.
Identifiers: ClinVar variation 3620653 (VCV003620653.3).